The following is an entry in ClinVar:

NM_005506.4(SCARB2):c.1039G>A (p.Glu347Lys)

Gene: SCARB2 (scavenger receptor class B member 2; minus strand). Cytogenetic location: 4q21.1.
Variant type: single nucleotide variant.
Coding change: c.1039G>A on transcript NM_005506.4 (MANE Select); coding-DNA position 1039, G replaced by A.
Protein change: p.Glu347Lys; replaces glutamic acid 347 with lysine.
Molecular consequence: missense variant.
Genome position (GRCh38, 1-based): chr4:76,169,941, C>T on the plus strand (G>A on the coding strand, the complement: SCARB2 is on the minus strand). VCF-style: chr4-76169941-C-T. GRCh37 (hg19) VCF-style: chr4-77091094-C-T.
Other names: c.610G>A, p.Glu204Lys (NM_001204255.2); short protein forms E347K, E204K.
Identifiers: ClinVar variation 969773 (VCV000969773.17), dbSNP rs559054010, ClinGen allele CA2970192.

ClinVar aggregate classification (germline): Uncertain significance. Review status: criteria provided, multiple submitters, no conflicts (2 of 4 stars). 7 submissions from 7 submitters: Uncertain significance (6). 1 of the submissions does not count toward it. Last evaluated 2024-08-15.

Conditions:
SCARB2-related disorder. Also called: SCARB2-related condition.
Action myoclonus-renal failure syndrome. Also called: EPILEPSY, PROGRESSIVE MYOCLONIC, 4, WITH RENAL FAILURE; EPILEPSY, PROGRESSIVE MYOCLONIC, 4, WITHOUT RENAL FAILURE; SCARB2-Related Action Myoclonus-Renal Failure Syndrome; MYOCLONUS-NEPHROPATHY SYNDROME. Identifiers: Orphanet 163696, MedGen C0751779, MeSH D020191, MONDO:0009699, OMIM 254900.
Progressive myoclonic epilepsy. Also called: Familial progressive myoclonic epilepsy; Progressive myoclonus epilepsy; Myoclonic Epilepsies, Progressive; Myoclonus epilepsy. Identifiers: Orphanet 308, Orphanet 98261, MedGen C0751778, MONDO:0020074.
Inborn genetic diseases. Identifiers: MedGen C0950123, MeSH D030342.

Allele frequency attached by ClinVar (database versions not stated): gnomAD exomes 0.00005 and 0.00003; gnomAD 0.00001 and 0.00002; TOPMed 0.00001; ExAC 0.00005.

Submissions (7):

Ambry Genetics
Classification: Uncertain significance for Inborn genetic diseases. Last evaluated: 2024-08-15. Review status: criteria provided, single submitter. Criteria: Ambry Variant Classification Scheme 2023. Collection method: clinical testing. Allele origin: germline.

GeneDx
Classification: Uncertain significance. Last evaluated: 2023-05-01. Review status: criteria provided, single submitter. Criteria: GeneDx Variant Classification Process June 2021. Collection method: clinical testing. Allele origin: germline. Affected: yes.
Comment: In silico analysis supports that this missense variant does not alter protein structure/function; Has not been previously published as pathogenic or benign to our knowledge

Labcorp Genetics (formerly Invitae), Labcorp
Classification: Uncertain significance for Progressive myoclonic epilepsy. Last evaluated: 2022-08-23. Review status: criteria provided, single submitter. Criteria: Invitae Variant Classification Sherloc (09022015). Collection method: clinical testing. Allele origin: germline.
Comment: This sequence change replaces glutamic acid, which is acidic and polar, with lysine, which is basic and polar, at codon 347 of the SCARB2 protein (p.Glu347Lys). This variant is present in population databases (rs559054010, gnomAD 0.03%). This variant has not been reported in the literature in individuals affected with SCARB2-related conditions. ClinVar contains an entry for this variant (Variation ID: 969773). Algorithms developed to predict the effect of missense changes on protein structure and function output the following: SIFT: "Tolerated"; PolyPhen-2: "Benign"; Align-GVGD: "Class C0". The lysine amino acid residue is found in multiple mammalian species, which suggests that this missense change does not adversely affect protein function. In summary, the available evidence is currently insufficient to determine the role of this variant in disease. Therefore, it has been classified as a Variant of Uncertain Significance.

Fulgent Genetics
Classification: Uncertain significance for Action myoclonus-renal failure syndrome. Last evaluated: 2021-11-06. Review status: criteria provided, single submitter. Criteria: ACMG Guidelines, 2015. Collection method: clinical testing. Allele origin: unknown.

Mayo Clinic Laboratories, Mayo Clinic
Classification: Uncertain significance. Last evaluated: 2020-09-17. Review status: criteria provided, single submitter. Criteria: ACMG Guidelines, 2015. Collection method: clinical testing. Allele origin: germline. Observed: 1 variant allele.

Athena Diagnostics
Classification: Uncertain significance. Last evaluated: 2019-10-08. Review status: criteria provided, single submitter. Criteria: Athena Diagnostics Criteria. Collection method: clinical testing. Allele origin: unknown.

PreventionGenetics, part of Exact Sciences
Classification: Uncertain significance for SCARB2-related condition. Last evaluated: 2024-03-20. Review status: no assertion criteria provided. Collection method: clinical testing. Allele origin: germline. Not counted in ClinVar's aggregate classification.
Comment: The SCARB2 c.1039G>A variant is predicted to result in the amino acid substitution p.Glu347Lys. To our knowledge, this variant has not been reported in the literature. This variant is reported in 0.026% of alleles in individuals of South Asian descent in gnomAD. At this time, the clinical significance of this variant is uncertain due to the absence of conclusive functional and genetic evidence.